The following is an entry in ClinVar:

ClinVar aggregate classification (germline): Uncertain significance. Review status: criteria provided, multiple submitters, no conflicts (2 of 4 stars). 2 submissions from 2 submitters: Uncertain significance (2). Last evaluated 2026-02-25.

Allele frequency attached by ClinVar (database versions not stated): TOPMed below 0.00001; gnomAD exomes 0.00001.
gnomAD v4.1: 7 of 1,613,934 alleles (0.00043%); highest among the groups gnomAD compares: Non-Finnish European, 0.00059%; no homozygotes.

Submissions (2):

Women's Health and Genetics/Laboratory Corporation of America, LabCorp
Classification: Uncertain significance. Last evaluated: 2026-02-25. Review status: criteria provided, single submitter. Criteria: LabCorp Variant Classification Summary - May 2015. Collection method: clinical testing. Allele origin: germline.
Comment: Variant summary: CAD c.3001G>A (p.Asp1001Asn) results in a conservative amino acid change in the encoded protein sequence. Algorithms developed to predict the effect of missense changes on protein structure and function are either unavailable or do not agree on the potential impact of this missense change. The frequency data for this variant in gnomAD is considered unreliable, as metrics indicate poor data quality at this position. To our knowledge, no occurrence of c.3001G>A in individuals affected with CAD-related conditions and no experimental evidence demonstrating its impact on protein function have been reported. ClinVar contains an entry for this variant (Variation ID: 1355761). Based on the evidence outlined above, the variant was classified as uncertain significance.

Labcorp Genetics (formerly Invitae), Labcorp
Classification: Uncertain significance. Last evaluated: 2022-04-12. Review status: criteria provided, single submitter. Criteria: Invitae Variant Classification Sherloc (09022015). Collection method: clinical testing. Allele origin: germline.
Comment: This sequence change replaces aspartic acid, which is acidic and polar, with asparagine, which is neutral and polar, at codon 1001 of the CAD protein (p.Asp1001Asn). This variant is not present in population databases (gnomAD no frequency). This variant has not been reported in the literature in individuals affected with CAD-related conditions. Algorithms developed to predict the effect of missense changes on protein structure and function are either unavailable or do not agree on the potential impact of this missense change (SIFT: "Deleterious"; PolyPhen-2: "Probably Damaging"; Align-GVGD: "Class C15"). In summary, the available evidence is currently insufficient to determine the role of this variant in disease. Therefore, it has been classified as a Variant of Uncertain Significance.

NM_004341.5(CAD):c.3001G>A (p.Asp1001Asn)

Gene: CAD (carbamoyl-phosphate synthetase 2, aspartate transcarbamylase, and dihydroorotase; plus strand). Cytogenetic location: 2p23.3.
Variant type: single nucleotide variant.
Coding change: c.3001G>A on transcript NM_004341.5 (MANE Select); coding-DNA position 3001, G replaced by A.
Protein change: p.Asp1001Asn; replaces aspartic acid 1001 with asparagine.
Molecular consequence: missense variant.
Genome position (GRCh38, 1-based): chr2:27,233,321, G>A. VCF-style: chr2-27233321-G-A. GRCh37 (hg19) VCF-style: chr2-27456189-G-A.
Other names: c.2812G>A, p.Asp938Asn (NM_001306079.2); short protein forms D938N, D1001N.
Identifiers: ClinVar variation 1355761 (VCV001355761.6), dbSNP rs1038158706, ClinGen allele CA44508634.